The following is an entry in ClinVar:

ClinVar aggregate classification (germline): Conflicting classifications of pathogenicity. Review status: criteria provided, conflicting classifications (1 of 4 stars). 5 submissions from 5 submitters: Uncertain significance (4); Likely benign (1). Last evaluated 2024-11-05.

Conditions:
Familial cancer of breast. Also called: BREAST CANCER, FAMILIAL; Hereditary breast cancer; hereditary breast carcinoma. Identifiers: Orphanet 227535, MedGen C0346153, MONDO:0016419, OMIM 114480. Disease mechanism: loss of function.
Hereditary cancer-predisposing syndrome. Also called: Hereditary neoplastic syndrome; Neoplastic Syndromes, Hereditary; Hereditary Cancer Syndrome; Tumor predisposition. Identifiers: Orphanet 140162, MedGen C0027672, MeSH D009386, MONDO:0015356.

Allele frequency attached by ClinVar (database versions not stated): gnomAD exomes below 0.00001.
gnomAD v4.1: 1 of 1,613,988 alleles (0.000062%); highest among the groups gnomAD compares: Admixed American, 0.0017%; no homozygotes.

Submissions (5):

Labcorp Genetics (formerly Invitae), Labcorp
Classification: Uncertain significance for Familial cancer of breast. Last evaluated: 2024-11-05. Review status: criteria provided, single submitter. Criteria: Invitae Variant Classification Sherloc (09022015). Collection method: clinical testing. Allele origin: germline.
Comment: This sequence change replaces glutamic acid, which is acidic and polar, with lysine, which is basic and polar, at codon 53 of the PALB2 protein (p.Glu53Lys). This variant is present in population databases (no rsID available, gnomAD 0.003%). This variant has not been reported in the literature in individuals affected with PALB2-related conditions. ClinVar contains an entry for this variant (Variation ID: 530120). An algorithm developed to predict the effect of missense changes on protein structure and function outputs the following: PolyPhen-2: "Benign". The lysine amino acid residue is found in multiple mammalian species, which suggests that this missense change does not adversely affect protein function. In summary, the available evidence is currently insufficient to determine the role of this variant in disease. Therefore, it has been classified as a Variant of Uncertain Significance.

Ambry Genetics
Classification: Likely benign for Hereditary cancer-predisposing syndrome. Last evaluated: 2024-02-12. Review status: criteria provided, single submitter. Criteria: Ambry Variant Classification Scheme 2023. Collection method: clinical testing. Allele origin: germline.

Sema4
Classification: Uncertain significance for Hereditary cancer-predisposing syndrome. Last evaluated: 2021-12-29. Review status: criteria provided, single submitter. Criteria: Sema4 Curation Guidelines. Collection method: curation. Allele origin: germline.
Comment: To the best of our knowledge, the PALB2 c.157G>A (p.E53K) variant has not been reported in individuals with PALB2-related disease. It has been reported in a large case-control study of breast cancer in 1/60466 cases and 0/53461 controls (PMID: 33471991). It was observed in 1/34592 chromosomes of the Latino subpopulation in the large and broad cohorts of the Genome Aggregation Database (PMID: 32461654). This variant has been reported in ClinVar (Variation ID 530120). In silico tools suggest the impact of the variant on protein function is benign, though these predictions have not been confirmed by functional studies. The evidence is insufficient to meet ACMG/AMP criteria for classifying the variant as benign or pathogenic. Thus, the clinical significance of this variant is currently uncertain.

Color Diagnostics, LLC DBA Color Health
Classification: Uncertain significance for Hereditary cancer-predisposing syndrome. Last evaluated: 2020-01-15. Review status: criteria provided, single submitter. Criteria: ACMG Guidelines, 2015. Collection method: clinical testing. Allele origin: germline.
Comment: This missense variant replaces glutamic acid with lysine at codon 53 of the PALB2 protein. Computational prediction tool suggests that this variant may not impact protein structure and function (internally defined REVEL score threshold ≤0.5, PMID: 27666373). Splice site prediction tools suggest that this variant may not impact RNA splicing. To our knowledge, functional studies have not been performed for this variant. This variant has not been reported in individuals affected with hereditary cancer in the literature. This variant has been identified in 1/251472 chromosomes in the general population by the Genome Aggregation Database (gnomAD). The available evidence is insufficient to determine the role of this variant in disease conclusively. Therefore, this variant is classified as a Variant of Uncertain Significance.

Mendelics
Classification: Uncertain significance for Familial cancer of breast. Last evaluated: 2019-05-28. Review status: criteria provided, single submitter. Criteria: Mendelics Assertion Criteria 2017. Collection method: clinical testing. Allele origin: unknown.

Literature cited by the submitters: PubMed 33471991 (cited by Ambry Genetics and Sema4).

NM_024675.4(PALB2):c.157G>A (p.Glu53Lys)

Gene: PALB2 (partner and localizer of BRCA2; minus strand). Cytogenetic location: 16p12.2.
Variant type: single nucleotide variant.
Coding change: c.157G>A on transcript NM_024675.4 (MANE Select); coding-DNA position 157, G replaced by A.
Protein change: p.Glu53Lys; replaces glutamic acid 53 with lysine.
Molecular consequence: missense variant.
Genome position (GRCh38, 1-based): chr16:23,637,904, C>T on the plus strand (G>A on the coding strand, the complement: PALB2 is on the minus strand). VCF-style: chr16-23637904-C-T. GRCh37 (hg19) VCF-style: chr16-23649225-C-T.
Other names: short protein forms E53K.
Identifiers: ClinVar variation 530120 (VCV000530120.20), dbSNP rs1184603042, ClinGen allele CA395139231.